The following is an entry in ClinVar:

NM_198053.3(CD247):c.191A>G (p.Tyr64Cys)

Gene: CD247 (CD247 molecule; minus strand). Cytogenetic location: 1q24.2.
Variant type: single nucleotide variant.
Coding change: c.191A>G on transcript NM_198053.3 (MANE Select); coding-DNA position 191, A replaced by G.
Protein change: p.Tyr64Cys; replaces tyrosine 64 with cysteine.
Molecular consequence: missense variant.
Genome position (GRCh38, 1-based): chr1:167,439,372, T>C on the plus strand (A>G on the coding strand, the complement: CD247 is on the minus strand). VCF-style: chr1-167439372-T-C. GRCh37 (hg19) VCF-style: chr1-167408609-T-C.
Other names: c.191A>G, p.Tyr64Cys (NM_000734.4); c.284A>G, p.Tyr95Cys (NM_001378515.1, NM_001378516.1); short protein forms Y64C, Y95C.
Identifiers: ClinVar variation 2094859 (VCV002094859.4), dbSNP rs2524506583, ClinGen allele CA343462797.

ClinVar aggregate classification (germline): Uncertain significance (1 of 4 stars; one submission).

Conditions:
Immunodeficiency 25. Also called: Immunodeficiency due to defect in cd3-zeta, somatic. Identifiers: MedGen C1857798, MONDO:0012426, OMIM 610163.

Submission:

Labcorp Genetics (formerly Invitae), Labcorp
Classification: Uncertain significance for Immunodeficiency 25. Last evaluated: 2022-02-08. Review status: criteria provided, single submitter. Criteria: Invitae Variant Classification Sherloc (09022015). Collection method: clinical testing. Allele origin: germline.
Comment: This variant has not been reported in the literature in individuals affected with CD247-related conditions. In summary, the available evidence is currently insufficient to determine the role of this variant in disease. Therefore, it has been classified as a Variant of Uncertain Significance. Algorithms developed to predict the effect of missense changes on protein structure and function (SIFT, PolyPhen-2, Align-GVGD) all suggest that this variant is likely to be tolerated. This variant is not present in population databases (gnomAD no frequency). This sequence change replaces tyrosine, which is neutral and polar, with cysteine, which is neutral and slightly polar, at codon 64 of the CD247 protein (p.Tyr64Cys).